The following is an entry in ClinVar:

ClinVar aggregate classification (germline): Uncertain significance (1 of 4 stars; one submission).

Submission:

Mayo Clinic Laboratories, Mayo Clinic
Classification: Uncertain significance. Last evaluated: 2022-02-08. Review status: criteria provided, single submitter. Criteria: ACMG Guidelines, 2015. Collection method: clinical testing. Allele origin: germline. Observed: 1 variant allele.
Comment: PM2

NM_004393.6(DAG1):c.442A>C (p.Thr148Pro)

Gene: DAG1 (dystroglycan 1; plus strand). Cytogenetic location: 3p21.31.
Variant type: single nucleotide variant.
Coding change: c.442A>C on transcript NM_004393.6 (MANE Select); coding-DNA position 442, A replaced by C.
Protein change: p.Thr148Pro; replaces threonine 148 with proline.
Molecular consequence: missense variant.
Genome position (GRCh38, 1-based): chr3:49,530,953, A>C. VCF-style: chr3-49530953-A-C. GRCh37 (hg19) VCF-style: chr3-49568386-A-C.
Other names: p.Thr148Pro; c.442A>C, p.Thr148Pro (NM_001165928.4, NM_001177634.3, NM_001177635.3 and 9 more transcripts); short protein forms T148P.
Identifiers: ClinVar variation 2682832 (VCV002682832.1), dbSNP rs1297914937, ClinGen allele CA352793327.